The following is an entry in ClinVar:

ClinVar aggregate classification (germline): Likely benign (1 of 4 stars; one submission).

Submission:

CeGaT Center for Human Genetics Tuebingen
Classification: Likely benign. Last evaluated: 2026-04-01. Review status: criteria provided, single submitter. Criteria: CeGaT Center For Human Genetics Tuebingen Variant Classification Criteria Version 2. Collection method: clinical testing. Allele origin: germline. Affected: yes. Observed: 1 variant allele.
Comment: TSPOAP1: BP4

NM_004758.4(TSPOAP1):c.362G>T (p.Arg121Met)

Genes: TSPOAP1 (TSPO associated protein 1; minus strand), TSPOAP1-AS1 (TSPOAP1, SUPT4H1 and RNF43 antisense RNA 1; plus strand). Cytogenetic location: 17q22.
Variant type: single nucleotide variant.
Coding change: c.362G>T on transcript NM_004758.4 (MANE Select); coding-DNA position 362, G replaced by T.
Protein change: p.Arg121Met; replaces arginine 121 with methionine.
Molecular consequence: missense variant.
Genome position (GRCh38, 1-based): chr17:58,326,762, C>A on the plus strand (G>T on the coding strand, the complement: TSPOAP1 is on the minus strand). VCF-style: chr17-58326762-C-A. GRCh37 (hg19) VCF-style: chr17-56404123-C-A.
Other names: c.362G>T, p.Arg121Met (NM_001261835.2, NM_024418.3); short protein forms R121M.
Identifiers: ClinVar variation 4872596 (VCV004872596.2).